The following is an entry in ClinVar:

NM_004415.4(DSP):c.5880C>T (p.Thr1960=)

Gene: DSP (desmoplakin; plus strand). Cytogenetic location: 6p24.3.
Variant type: single nucleotide variant.
Coding change: c.5880C>T on transcript NM_004415.4 (MANE Select); coding-DNA position 5880, C replaced by T.
Protein change: p.Thr1960=; no amino-acid change (threonine 1960 retained).
Molecular consequence: synonymous variant.
Genome position (GRCh38, 1-based): chr6:7,583,142, C>T. VCF-style: chr6-7583142-C-T. GRCh37 (hg19) VCF-style: chr6-7583375-C-T.
Other names: p.Thr1960=; c.4083C>T, p.Thr1361= (NM_001008844.3); c.4551C>T, p.Thr1517= (NM_001319034.2).
Identifiers: ClinVar variation 701754 (VCV000701754.19), dbSNP rs375883982, ClinGen allele CA045967.
Genomic context (GRCh38, chr6:7,583,142, plus strand): 5'-TAAACTCAGACAGCGCCCATATGGGTCCCATCGAGAGACCCAGACTGAGTGTGAGTGGAC[C>T]GTTGACACCTCCAAGCTGGTGTTTGATGGGCTGAGGAAGAAGGTGACAGCAATGCAGCTC-3'
Protein context (NP_004406.2, residues 1950-1970): HRETQTECEW[Thr1960=]VDTSKLVFDG

ClinVar aggregate classification (germline): Likely benign. Review status: criteria provided, multiple submitters, no conflicts (2 of 4 stars). 7 submissions from 7 submitters: Likely benign (7). Last evaluated 2025-12-19.

Conditions:
Arrhythmogenic cardiomyopathy with wooly hair and keratoderma. Also called: PALMOPLANTAR KERATODERMA WITH LEFT VENTRICULAR CARDIOMYOPATHY AND WOOLLY HAIR; Dilated cardiomyopathy with woolly hair and keratoderma; Arrhythmogenic cardiomyopathy with woolly hair and keratoderma; Carvajal syndrome. Identifiers: Orphanet 65282, MedGen C1854063, MONDO:0011581, OMIM 605676.
Arrhythmogenic right ventricular dysplasia 8 (ARVD8). Also called: Arrhythmogenic Right Ventricular Dysplasia/Cardiomyopathy 8; ARRHYTHMOGENIC RIGHT VENTRICULAR DYSPLASIA, FAMILIAL, 8; ARRHYTHMOGENIC RIGHT VENTRICULAR CARDIOMYOPATHY 8. Identifiers: MedGen C1843896, MONDO:0011831, OMIM 607450.
DSP-related disorder. Also called: DSP-related condition; DSP-related disorders.
Cardiomyopathy (CMYO). Also called: Cardiomyopathies. Identifiers: Orphanet 167848, MedGen C0878544, MONDO:0004994, HP:0001638. Inheritance: Various modes of inheritance.
Cardiovascular phenotype. Identifiers: MedGen CN230736.

Allele frequency attached by ClinVar (database versions not stated): gnomAD 0.00001 and 0.00002; TOPMed 0.00002; gnomAD exomes 0.00003 and 0.00005; ExAC 0.00005; ESP Exome Variant Server 0.00008; 1000 Genomes Project 0.00020; 1000 Genomes Project 30x 0.00047.
gnomAD v4.1: 41 of 1,613,960 alleles (0.0025%); highest among the groups gnomAD compares: Admixed American, 0.0067%; no homozygotes.

Submissions (7):

Labcorp Genetics (formerly Invitae), Labcorp
Classification: Likely benign for Arrhythmogenic cardiomyopathy with wooly hair and keratoderma; Arrhythmogenic right ventricular dysplasia 8. Last evaluated: 2025-12-19. Review status: criteria provided, single submitter. Criteria: Invitae Variant Classification Sherloc (09022015). Collection method: clinical testing. Allele origin: germline.

PreventionGenetics, part of Exact Sciences
Classification: Likely benign for DSP-related condition. Last evaluated: 2025-11-16. Review status: criteria provided, single submitter. Criteria: ACMG Guidelines, 2015. Collection method: clinical testing. Allele origin: germline.
Comment: This variant is classified as likely benign based on ACMG/AMP sequence variant interpretation guidelines (Richards et al. 2015 PMID: 25741868, with internal and published modifications).

Mayo Clinic Laboratories, Mayo Clinic
Classification: Likely benign. Last evaluated: 2025-09-11. Review status: criteria provided, single submitter. Criteria: ACMG Guidelines, 2015. Collection method: clinical testing. Allele origin: germline. Observed: 1 variant allele.
Comment: BP4, BP7

All of Us Research Program, National Institutes of Health
Classification: Likely benign for Arrhythmogenic cardiomyopathy with wooly hair and keratoderma. Last evaluated: 2024-01-03. Review status: criteria provided, single submitter. Criteria: ACMG Guidelines, 2015. Collection method: clinical testing. Allele origin: germline. Inheritance: Autosomal dominant inheritance. Observed: 9 variant alleles, 9 heterozygotes.
Comment: This study involves interpretation of variants in research participants for the purpose of population health screening. Participant phenotype was not available at the time of variant classification. Additional details can be found in publication PMID: 35346344, PMCID: PMC8962531

Women's Health and Genetics/Laboratory Corporation of America, LabCorp
Classification: Likely benign. Last evaluated: 2022-01-02. Review status: criteria provided, single submitter. Criteria: LabCorp Variant Classification Summary - May 2015. Collection method: clinical testing. Allele origin: germline.

Ambry Genetics
Classification: Likely benign for Cardiovascular phenotype. Last evaluated: 2020-10-06. Review status: criteria provided, single submitter. Criteria: Ambry Variant Classification Scheme 2023. Collection method: clinical testing. Allele origin: germline.

Color Diagnostics, LLC DBA Color Health
Classification: Likely benign for Cardiomyopathy. Last evaluated: 2018-11-08. Review status: criteria provided, single submitter. Criteria: ACMG Guidelines, 2015. Collection method: clinical testing. Allele origin: germline.